The following is an entry in ClinVar:

ClinVar aggregate classification (germline): Uncertain significance (1 of 4 stars; one submission).

Conditions:
Inborn genetic diseases. Identifiers: MedGen C0950123, MeSH D030342.

Submission:

Ambry Genetics
Classification: Uncertain significance for Inborn genetic diseases. Last evaluated: 2025-08-08. Review status: criteria provided, single submitter. Criteria: Ambry Variant Classification Scheme 2023. Collection method: clinical testing. Allele origin: germline.
Comment: The p.A889T variant (also known as c.2665G>A), located in coding exon 28 of the RTEL1 gene, results from a G to A substitution at nucleotide position 2665. The alanine at codon 889 is replaced by threonine, an amino acid with similar properties. This amino acid position is conserved. In addition, this alteration is predicted to be tolerated by in silico analysis. Based on the available evidence, the clinical significance of this variant remains unclear.

NM_001283009.2(RTEL1):c.2665G>A (p.Ala889Thr)

Genes: RTEL1 (regulator of telomere elongation helicase 1; plus strand), RTEL1-TNFRSF6B (RTEL1-TNFRSF6B readthrough (NMD candidate); plus strand). Cytogenetic location: 20q13.33.
Variant type: single nucleotide variant.
Coding change: c.2665G>A on transcript NM_001283009.2 (MANE Select); coding-DNA position 2665, G replaced by A.
Protein change: p.Ala889Thr; replaces alanine 889 with threonine.
Molecular consequence: missense variant. On other transcripts: non-coding transcript variant (1).
Genome position (GRCh38, 1-based): chr20:63,692,817, G>A. VCF-style: chr20-63692817-G-A. GRCh37 (hg19) VCF-style: chr20-62324170-G-A.
Other names: c.1996G>A, p.Ala666Thr (NM_001283010.1); c.2665G>A, p.Ala889Thr (NM_016434.4); c.2737G>A, p.Ala913Thr (NM_032957.5); short protein forms A913T, A889T, A666T.
Identifiers: ClinVar variation 4157645 (VCV004157645.1).